The following is an entry in ClinVar:

NM_006514.4(SCN10A):c.4642G>T (p.Val1548Phe)

Gene: SCN10A (sodium voltage-gated channel alpha subunit 10; minus strand). Cytogenetic location: 3p22.2.
Variant type: single nucleotide variant.
Coding change: c.4642G>T on transcript NM_006514.4 (MANE Select); coding-DNA position 4642, G replaced by T.
Protein change: p.Val1548Phe; replaces valine 1548 with phenylalanine.
Molecular consequence: missense variant.
Genome position (GRCh38, 1-based): chr3:38,701,854, C>A on the plus strand (G>T on the coding strand, the complement: SCN10A is on the minus strand). VCF-style: chr3-38701854-C-A. GRCh37 (hg19) VCF-style: chr3-38743345-C-A.
Other names: p.Val1548Phe; c.4639G>T, p.Val1547Phe (NM_001293306.2); c.4348G>T, p.Val1450Phe (NM_001293307.2); short protein forms V1450F, V1547F, V1548F.
Identifiers: ClinVar variation 651653 (VCV000651653.8), dbSNP rs762610159, ClinGen allele CA72945448.

ClinVar aggregate classification (germline): Uncertain significance. Review status: criteria provided, multiple submitters, no conflicts (2 of 4 stars). 2 submissions from 2 submitters: Uncertain significance (2). Last evaluated 2025-04-07.

Conditions:
Brugada syndrome. Also called: Sudden unexpected nocturnal death syndrome; Sudden unexplained nocturnal death syndrome; Sudden Unexplained Death Syndrome; Sudden Unexplained Nocturnal Death Syndrome (SUNDS). Identifiers: Orphanet 130, MedGen C1142166, MONDO:0015263.

Allele frequency attached by ClinVar (database versions not stated): gnomAD 0.00001; gnomAD exomes 0.00002; TOPMed 0.00002.
gnomAD v4.1: 35 of 1,608,810 alleles (0.0022%); highest among the groups gnomAD compares: Non-Finnish European, 0.0028%; no homozygotes.

Submissions (2):

Mayo Clinic Laboratories, Mayo Clinic
Classification: Uncertain significance. Last evaluated: 2025-04-07. Review status: criteria provided, single submitter. Criteria: ACMG Guidelines, 2015. Collection method: clinical testing. Allele origin: germline. Observed: 1 variant allele.

Labcorp Genetics (formerly Invitae), Labcorp
Classification: Uncertain significance for Brugada syndrome. Last evaluated: 2019-12-15. Review status: criteria provided, single submitter. Criteria: Invitae Variant Classification Sherloc (09022015). Collection method: clinical testing. Allele origin: germline.
Comment: This variant has been observed in an individual affected with paroxysmal atrial fibrillation (PMID: 25053638). Algorithms developed to predict the effect of missense changes on protein structure and function are either unavailable or do not agree on the potential impact of this missense change (SIFT: "Deleterious"; PolyPhen-2: "Not available"; Align-GVGD: "Class C0"). In summary, the available evidence is currently insufficient to determine the role of this variant in disease. Therefore, it has been classified as a Variant of Uncertain Significance. This sequence change replaces valine with phenylalanine at codon 1548 of the SCN10A protein (p.Val1548Phe). The valine residue is weakly conserved and there is a small physicochemical difference between valine and phenylalanine. This variant is not present in population databases (ExAC no frequency).

Literature cited by the submitters: PubMed 25053638 (cited by Mayo Clinic Laboratories, Mayo Clinic and Labcorp Genetics (formerly Invitae), Labcorp); PubMed 28407228 (cited by Mayo Clinic Laboratories, Mayo Clinic).